The following is an entry in ClinVar:

ClinVar aggregate classification (germline): Uncertain significance (1 of 4 stars; one submission).

Submission:

Labcorp Genetics (formerly Invitae), Labcorp
Classification: Uncertain significance. Last evaluated: 2022-11-22. Review status: criteria provided, single submitter. Criteria: Invitae Variant Classification Sherloc (09022015). Collection method: clinical testing. Allele origin: germline.
Comment: In summary, the available evidence is currently insufficient to determine the role of this variant in disease. Therefore, it has been classified as a Variant of Uncertain Significance. Advanced modeling of protein sequence and biophysical properties (such as structural, functional, and spatial information, amino acid conservation, physicochemical variation, residue mobility, and thermodynamic stability) performed at Invitae indicates that this missense variant is expected to disrupt MYH9 protein function. This variant has not been reported in the literature in individuals affected with MYH9-related conditions. This variant is not present in population databases (gnomAD no frequency). This sequence change replaces asparagine, which is neutral and polar, with isoleucine, which is neutral and non-polar, at codon 100 of the MYH9 protein (p.Asn100Ile).

NM_002473.6(MYH9):c.299A>T (p.Asn100Ile)

Gene: MYH9 (myosin heavy chain 9; minus strand). Cytogenetic location: 22q12.3.
Variant type: single nucleotide variant.
Coding change: c.299A>T on transcript NM_002473.6 (MANE Select); coding-DNA position 299, A replaced by T.
Protein change: p.Asn100Ile; replaces asparagine 100 with isoleucine.
Molecular consequence: missense variant.
Genome position (GRCh38, 1-based): chr22:36,348,938, T>A on the plus strand (A>T on the coding strand, the complement: MYH9 is on the minus strand). VCF-style: chr22-36348938-T-A. GRCh37 (hg19) VCF-style: chr22-36744983-T-A.
Other names: short protein forms N100I.
Identifiers: ClinVar variation 2122154 (VCV002122154.4), dbSNP rs920764409, ClinGen allele CA411549096.